The following is an entry in ClinVar:

NM_016204.4(GDF2):c.338G>A (p.Ser113Asn)

Gene: GDF2 (growth differentiation factor 2; plus strand). Cytogenetic location: 10q11.22.
Variant type: single nucleotide variant.
Coding change: c.338G>A on transcript NM_016204.4 (MANE Select); coding-DNA position 338, G replaced by A.
Protein change: p.Ser113Asn; replaces serine 113 with asparagine.
Molecular consequence: missense variant.
Genome position (GRCh38, 1-based): chr10:47,323,006, G>A. VCF-style: chr10-47323006-G-A. GRCh37 (hg19) VCF-style: chr10-48416356-C-T.
Other names: c.338G>A (NM_016204.1); short protein forms S113N.
Identifiers: ClinVar variation 3677674 (VCV003677674.2).
Genomic context (GRCh38, chr10:47,323,006, plus strand): 5'-ACAACAGGTACACGTCCGATAAGTCGACTACGCCAGCGTCCAACATTGTGCGGAGCTTCA[G>A]CATGGAAGGTAGGGTCTCCGCTTGCACCATGCGCGCTGGGGTGGGACTCACAGGTCCACA-3'
Protein context (NP_057288.1, residues 103-123): TPASNIVRSF[Ser113Asn]MEDAISITAT

ClinVar aggregate classification (germline): Conflicting classifications of pathogenicity. Review status: criteria provided, conflicting classifications (1 of 4 stars). 2 submissions from 2 submitters: Uncertain significance (1); Likely benign (1). Last evaluated 2026-02-22.

Conditions:
Cardiovascular phenotype. Identifiers: MedGen CN230736.
Telangiectasia, hereditary hemorrhagic, type 5 (HHT5). Identifiers: Orphanet 774, MedGen C3809710, MONDO:0014217, OMIM 615506.

Submissions (2):

Ambry Genetics
Classification: Likely benign for Cardiovascular phenotype. Last evaluated: 2026-02-22. Review status: criteria provided, single submitter. Criteria: Ambry Variant Classification Scheme 2023. Collection method: clinical testing. Allele origin: germline.

Labcorp Genetics (formerly Invitae), Labcorp
Classification: Uncertain significance for Telangiectasia, hereditary hemorrhagic, type 5. Last evaluated: 2024-12-13. Review status: criteria provided, single submitter. Criteria: Invitae Variant Classification Sherloc (09022015). Collection method: clinical testing. Allele origin: germline.
Comment: This sequence change replaces serine, which is neutral and polar, with asparagine, which is neutral and polar, at codon 113 of the GDF2 protein (p.Ser113Asn). This variant is present in population databases (rs145385527, gnomAD 0.05%). This variant has not been reported in the literature in individuals affected with GDF2-related conditions. Invitae Evidence Modeling of protein sequence and biophysical properties (such as structural, functional, and spatial information, amino acid conservation, physicochemical variation, residue mobility, and thermodynamic stability) indicates that this missense variant is not expected to disrupt GDF2 protein function with a negative predictive value of 80%. In summary, the available evidence is currently insufficient to determine the role of this variant in disease. Therefore, it has been classified as a Variant of Uncertain Significance.